The following is an entry in ClinVar:

NM_014484.5(MOCS3):c.890G>A (p.Cys297Tyr)

Gene: MOCS3 (molybdenum cofactor synthesis 3; plus strand). Cytogenetic location: 20q13.13.
Variant type: single nucleotide variant.
Coding change: c.890G>A on transcript NM_014484.5 (MANE Select); coding-DNA position 890, G replaced by A.
Protein change: p.Cys297Tyr; replaces cysteine 297 with tyrosine.
Molecular consequence: missense variant.
Genome position (GRCh38, 1-based): chr20:50,959,732, G>A. VCF-style: chr20-50959732-G-A. GRCh37 (hg19) VCF-style: chr20-49576269-G-A.
Other names: short protein forms C297Y.
Identifiers: ClinVar variation 4804270 (VCV004804270.1).

ClinVar aggregate classification (germline): Uncertain significance (1 of 4 stars; one submission).

Submission:

Labcorp Genetics (formerly Invitae), Labcorp
Classification: Uncertain significance. Last evaluated: 2025-11-24. Review status: criteria provided, single submitter. Criteria: Invitae Variant Classification Sherloc (09022015). Collection method: clinical testing. Allele origin: germline.
Comment: This sequence change replaces cysteine, which is neutral and slightly polar, with tyrosine, which is neutral and polar, at codon 297 of the MOCS3 protein (p.Cys297Tyr). This variant is not present in population databases (gnomAD no frequency). This variant has not been reported in the literature in individuals affected with MOCS3-related conditions. An algorithm developed to predict the effect of missense changes on protein structure and function (PolyPhen-2) suggests that this variant is likely to be disruptive. In summary, the available evidence is currently insufficient to determine the role of this variant in disease. Therefore, it has been classified as a Variant of Uncertain Significance.